The following is an entry in ClinVar:

ClinVar aggregate classification (germline): Uncertain significance (1 of 4 stars; one submission).

Submissions (2):

GeneDx
Classification: Uncertain significance. Last evaluated: 2026-02-15. Review status: criteria provided, single submitter. Criteria: GeneDx Variant Classification Process June 2021. Collection method: clinical testing. Allele origin: germline.
Comment: Not observed at significant frequency in large population cohorts (gnomAD); In silico analysis supports that this missense variant has a deleterious effect on protein structure/function; Has not been previously published as pathogenic or benign to our knowledge; This variant is associated with the following publications: (PMID: 31275557)

Dr. Peter K. Rogan Lab, Western University
No classification provided (evidence only). Condition: Thyroid cancer, nonmedullary, 1. Review status: no classification provided. Collection method: in vitro. Allele origin: not applicable. Functional consequence: retained intron. Not counted in ClinVar's aggregate classification.

NM_181303.2(NLGN3):c.1085A>G (p.Glu362Gly)

Gene: NLGN3 (neuroligin 3; plus strand). Cytogenetic location: Xq13.1.
Variant type: single nucleotide variant.
Coding change: c.1085A>G on transcript NM_181303.2 (MANE Select); coding-DNA position 1085, A replaced by G.
Protein change: p.Glu362Gly; replaces glutamic acid 362 with glycine.
Molecular consequence: missense variant.
Genome position (GRCh38, 1-based): chrX:71,167,182, A>G. VCF-style: chrX-71167182-A-G. GRCh37 (hg19) VCF-style: chrX-70387032-A-G.
Other names: NC_000023.10:g.70387032A>G; c.1025A>G (NM_018977.2); c.965A>G, p.Glu322Gly (NM_001166660.2); c.674A>G, p.Glu225Gly (NM_001321276.2, NM_001438298.1); c.734A>G, p.Glu245Gly (NM_001437941.1, NM_001438296.1); c.1025A>G, p.Glu342Gly (NM_018977.4); short protein forms E225G, E245G, E322G, E362G, E342G.
Identifiers: ClinVar variation 4496807 (VCV004496807.2).